The following is an entry in ClinVar:

NM_000020.3(ACVRL1):c.1405C>T (p.Arg469Trp)

Gene: ACVRL1 (activin A receptor like type 1; plus strand). Cytogenetic location: 12q13.13.
Variant type: single nucleotide variant.
Coding change: c.1405C>T on transcript NM_000020.3 (MANE Select); coding-DNA position 1405, C replaced by T.
Protein change: p.Arg469Trp; replaces arginine 469 with tryptophan.
Molecular consequence: missense variant.
Genome position (GRCh38, 1-based): chr12:51,920,786, C>T. VCF-style: chr12-51920786-C-T. GRCh37 (hg19) VCF-style: chr12-52314570-C-T.
Other names: c.1405C>T (NM_000020.2); c.1405C>T, p.Arg469Trp (NM_001077401.2); short protein forms R469W.
Identifiers: ClinVar variation 999259 (VCV000999259.7), dbSNP rs760773605, ClinGen allele CA6573170.

ClinVar aggregate classification (germline): Conflicting classifications of pathogenicity. Review status: criteria provided, conflicting classifications (1 of 4 stars). 2 submissions from 2 submitters: Uncertain significance (1); Likely benign (1). Last evaluated 2025-07-24.

Conditions:
Cardiovascular phenotype. Identifiers: MedGen CN230736.
Telangiectasia, hereditary hemorrhagic, type 2 (HHT2). Also called: ACVRL1-Related Hereditary Hemorrhagic Telangiectasia; Telangiectasia, hereditary hemorrhagic, type II. Identifiers: Orphanet 774, MedGen C1838163, MONDO:0010880, OMIM 600376. Disease mechanism: loss of function.

Allele frequency attached by ClinVar (database versions not stated): TOPMed 0.00002.
gnomAD v4.1: 64 of 1,613,868 alleles (0.004%); highest among the groups gnomAD compares: Non-Finnish European, 0.0052%; no homozygotes.

Submissions (2):

Ambry Genetics
Classification: Likely benign for Cardiovascular phenotype. Last evaluated: 2025-07-24. Review status: criteria provided, single submitter. Criteria: Ambry Variant Classification Scheme 2023. Collection method: clinical testing. Allele origin: germline.

Labcorp Genetics (formerly Invitae), Labcorp
Classification: Uncertain significance for Telangiectasia, hereditary hemorrhagic, type 2. Last evaluated: 2021-08-28. Review status: criteria provided, single submitter. Criteria: Invitae Variant Classification Sherloc (09022015). Collection method: clinical testing. Allele origin: germline.
Comment: This sequence change replaces arginine with tryptophan at codon 469 of the ACVRL1 protein (p.Arg469Trp). The arginine residue is highly conserved and there is a moderate physicochemical difference between arginine and tryptophan. This variant is present in population databases (rs760773605, ExAC 0.01%). This variant has not been reported in the literature in individuals affected with ACVRL1-related conditions. Algorithms developed to predict the effect of missense changes on protein structure and function (SIFT, PolyPhen-2, Align-GVGD) all suggest that this variant is likely to be disruptive. In summary, the available evidence is currently insufficient to determine the role of this variant in disease. Therefore, it has been classified as a Variant of Uncertain Significance.